The following is an entry in ClinVar:

NM_007294.4(BRCA1):c.335_338del (p.Asn112fs)

Gene: BRCA1 (BRCA1 DNA repair associated; minus strand). Cytogenetic location: 17q21.31.
Variant type: Deletion.
Coding change: c.335_338del on transcript NM_007294.4 (MANE Select); coding-DNA positions 335 to 338, 4 bases deleted (ATAA; older notation c.335_338delATAA).
Protein change: p.Asn112fs; shifts the reading frame from asparagine 112.
Molecular consequence: frameshift variant. On other transcripts: non-coding transcript variant (1).
Genome position (GRCh38, 1-based): chr17:43,104,225-43,104,228, TTAT deleted on the plus strand (ATAA on the coding strand, the reverse complement: BRCA1 is on the minus strand); deleting any 4 consecutive bases within chr17:43,104,225-43,104,230 gives the same sequence; the c. name uses the placement nearest the transcript's 3' end. VCF-style (leftmost placement, unchanged base first): chr17-43104224-GTTAT-G. GRCh37 (hg19) VCF-style: chr17-41256241-GTTAT-G.
Other names: c.335_338delATAA (NM_007294.3); c.123_126delAAAT, p.Asn42Thrfs (NM_001407571.1, NM_001407853.1, NM_001407879.1 and 58 more transcripts); c.333_336delAAAT, p.Asn112Thrfs (NM_001407581.1, NM_001407582.1, NM_001407583.1 and 163 more transcripts); c.324_327delAAAT, p.Asn109Thrfs (NM_001407646.1, NM_001407647.1, NM_001408408.1); c.255_258delAAAT, p.Asn86Thrfs (NM_001407653.1, NM_001407654.1, NM_001407655.1 and 21 more transcripts); c.192_195delAAAT, p.Asn65Thrfs (NM_001407692.1, NM_001407694.1, NM_001407695.1 and 98 more transcripts); c.-49_-46delAAAT (NM_001407959.1, NM_001407960.1, NM_001407962.1 and 4 more transcripts); c.201_204delAAAT, p.Asn68Thrfs (NM_001408451.1); and 2 more; short protein forms N65fs, N112fs.
Identifiers: ClinVar variation 142716 (VCV000142716.9), dbSNP rs587782666, ClinGen allele CA002173.
Genomic context (GRCh38, chr17:43,104,224, plus strand): 5'-ACGGTTTCTGTAGCCCATACTTTGGATGATAGAAACTTCATCTTTTAGATGTTCAGGAGA[GTTAT>G]TTTCCTTTTTTGCAAAATTATAGCTGTTTGCATCTGTAAAATACAAGGGAAAACATTATG-3'

ClinVar aggregate classification (germline): Pathogenic. Review status: reviewed by expert panel (3 of 4 stars). 3 submissions from 3 submitters: Pathogenic (1). 2 of the submissions do not count toward it. Last evaluated 2016-09-08.

Conditions:
Hereditary cancer-predisposing syndrome. Also called: Tumor predisposition; Hereditary neoplastic syndrome; Hereditary Cancer Syndrome; Neoplastic Syndromes, Hereditary. Identifiers: Orphanet 140162, MedGen C0027672, MeSH D009386, MONDO:0015356.
Breast-ovarian cancer, familial, susceptibility to, 1 (BROVCA1). Also called: BRCA1 Hereditary Breast and Ovarian Cancer; OVARIAN CANCER, SUSCEPTIBILITY TO. Identifiers: Orphanet 145, MedGen C2676676, MONDO:0011450, OMIM 604370. Disease mechanism: loss of function.

Submissions (3):

Evidence-based Network for the Interpretation of Germline Mutant Alleles (ENIGMA)
Classification: Pathogenic for Breast-ovarian cancer, familial, susceptibility to, 1. Last evaluated: 2016-09-08. Review status: reviewed by expert panel. Criteria: ENIGMA BRCA1/2 Classification Criteria (2015). Collection method: curation. Allele origin: germline.
Comment: Variant allele predicted to encode a truncated non-functional protein.

Myriad Genetics, Inc.
Classification: Pathogenic for Breast-ovarian cancer, familial, susceptibility to, 1. Last evaluated: 2025-09-17. Review status: criteria provided, single submitter. Criteria: Myriad Autosomal Dominant, Autosomal Recessive and X-Linked Classification Criteria (2023). Collection method: clinical testing. Allele origin: unknown. Not counted in ClinVar's aggregate classification.
Comment: This variant is considered pathogenic. This variant creates a frameshift predicted to result in premature protein truncation.

Ambry Genetics
Classification: Pathogenic for Hereditary cancer-predisposing syndrome. Last evaluated: 2022-08-01. Review status: criteria provided, single submitter. Criteria: Ambry Variant Classification Scheme 2023. Collection method: clinical testing. Allele origin: germline. Not counted in ClinVar's aggregate classification.
Comment: The c.335_338delATAA pathogenic mutation, located in coding exon 5 of the BRCA1 gene, results from a deletion of 4 nucleotides at nucleotide positions 335 to 338, causing a translational frameshift with a predicted alternate stop codon (p.N112Tfs*6). This alteration is expected to result in loss of function by premature protein truncation or nonsense-mediated mRNA decay. As such, this alteration is interpreted as a disease-causing mutation.